The following is an entry in ClinVar:

NM_001160372.4(TRAPPC9):c.2032C>G (p.Leu678Val)

Gene: TRAPPC9 (trafficking protein particle complex subunit 9; minus strand). Cytogenetic location: 8q24.3.
Variant type: single nucleotide variant.
Coding change: c.2032C>G on transcript NM_001160372.4 (MANE Select); coding-DNA position 2032, C replaced by G.
Protein change: p.Leu678Val; replaces leucine 678 with valine.
Molecular consequence: missense variant. On other transcripts: non-coding transcript variant (1).
Genome position (GRCh38, 1-based): chr8:140,283,971, G>C on the plus strand (C>G on the coding strand, the complement: TRAPPC9 is on the minus strand). VCF-style: chr8-140283971-G-C. GRCh37 (hg19) VCF-style: chr8-141294070-G-C.
Other names: c.2005C>G, p.Leu669Val (NM_001321646.2); c.2053C>G, p.Leu685Val (NM_001374682.1); c.2032C>G, p.Leu678Val (NM_001374683.1, NM_031466.8); c.1888C>G, p.Leu630Val (NM_001374684.1); short protein forms L678V, L669V, L630V, L685V.
Identifiers: ClinVar variation 588190 (VCV000588190.5), dbSNP rs1563915700, ClinGen allele CA372315160.

ClinVar aggregate classification (germline): Uncertain significance (1 of 4 stars; one submission).

Conditions:
Inborn genetic diseases. Identifiers: MedGen C0950123, MeSH D030342.

Submission:

Ambry Genetics
Classification: Uncertain significance for Inborn genetic diseases. Last evaluated: 2016-08-23. Review status: criteria provided, single submitter. Criteria: Ambry Variant Classification Scheme 2023. Collection method: clinical testing. Allele origin: germline.
Comment: The p.L776V variant (also known as c.2326C>G), located in coding exon 14 of the TRAPPC9 gene, results from a C to G substitution at nucleotide position 2326. The leucine at codon 776 is replaced by valine, an amino acid with highly similar properties. This variant was not reported in population based cohorts in the following databases: Database of Single Nucleotide Polymorphisms (dbSNP), NHLBI Exome Sequencing Project (ESP), and 1000 Genomes Project. In the ESP, this variant was not observed in 6503 samples (13006 alleles) with coverage at this position. This amino acid position is highly conserved in available vertebrate species. In addition, this alteration is predicted to be tolerated by in silico analysis. Since supporting evidence is limited at this time, the clinical significance of this variant remains unclear.